The following is an entry in ClinVar:

ClinVar aggregate classification (germline): Benign (1 of 4 stars; one submission).

Allele frequency attached by ClinVar (database versions not stated): gnomAD 0.06373 and 0.06858; 1000 Genomes Project 0.06669; 1000 Genomes Project 30x 0.07230; TOPMed 0.07238.
gnomAD v4.1: 9,611 of 152,180 alleles (6.3%); highest among the groups gnomAD compares: African/African-American, 22%; 979 homozygotes.

Submission:

GeneDx
Classification: Benign. Last evaluated: 2018-06-19. Review status: criteria provided, single submitter. Criteria: GeneDx Variant Classification (06012015). Collection method: clinical testing. Allele origin: germline. Affected: yes.
Comment: This variant is considered likely benign or benign based on one or more of the following criteria: it is a conservative change, it occurs at a poorly conserved position in the protein, it is predicted to be benign by multiple in silico algorithms, and/or has population frequency not consistent with disease.

NM_001105206.3(LAMA4):c.4821+160C>A

Gene: LAMA4 (laminin subunit alpha 4; minus strand). Cytogenetic location: 6q21.
Variant type: single nucleotide variant.
Coding change: c.4821+160C>A on transcript NM_001105206.3 (MANE Select); 160 bases into the intron after coding-DNA position 4821, C replaced by A.
Molecular consequence: intron variant.
Genome position (GRCh38, 1-based): chr6:112,118,996, G>T on the plus strand (C>A on the coding strand, the complement: LAMA4 is on the minus strand). VCF-style: chr6-112118996-G-T. GRCh37 (hg19) VCF-style: chr6-112440199-G-T.
Other names: c.4800+160C>A (NM_002290.5, NM_001105207.3).
Identifiers: ClinVar variation 672739 (VCV000672739.1), dbSNP rs73530790, ClinGen allele CA144882219.